The following is an entry in ClinVar:

NM_004990.4(MARS1):c.1651T>C (p.Phe551Leu)

Gene: MARS1 (methionyl-tRNA synthetase 1; plus strand). Cytogenetic location: 12q13.3.
Variant type: single nucleotide variant.
Coding change: c.1651T>C on transcript NM_004990.4 (MANE Select); coding-DNA position 1651, T replaced by C.
Protein change: p.Phe551Leu; replaces phenylalanine 551 with leucine.
Molecular consequence: missense variant.
Genome position (GRCh38, 1-based): chr12:57,512,251, T>C. VCF-style: chr12-57512251-T-C. GRCh37 (hg19) VCF-style: chr12-57906034-T-C.
Other names: c.1651T>C (NM_004990.3); short protein forms F551L.
Identifiers: ClinVar variation 1681751 (VCV001681751.7), dbSNP rs778475853, ClinGen allele CA6650584.

ClinVar aggregate classification (germline): Uncertain significance. Review status: criteria provided, multiple submitters, no conflicts (2 of 4 stars). 2 submissions from 2 submitters: Uncertain significance (2). Last evaluated 2025-02-13.

Conditions:
Severe early-onset pulmonary alveolar proteinosis due to MARS deficiency. Also called: PULMONARY ALVEOLAR PROTEINOSIS, REUNION ISLAND; Interstitial lung and liver disease. Identifiers: Orphanet 440427, MedGen C4225400, MONDO:0014206, OMIM 615486.
Charcot-Marie-Tooth disease axonal type 2U. Also called: CHARCOT-MARIE-TOOTH NEUROPATHY, TYPE 2U; CHARCOT-MARIE-TOOTH DISEASE, AXONAL, AUTOSOMAL DOMINANT, TYPE 2U. Identifiers: Orphanet 397735, MedGen C4084821, MONDO:0014566, OMIM 616280.

Allele frequency attached by ClinVar (database versions not stated): gnomAD exomes below 0.00001; ExAC 0.00001; gnomAD 0.00004 and 0.00005; TOPMed 0.00005.

Submissions (2):

Ambry Genetics
Classification: Uncertain significance. Last evaluated: 2025-02-13. Review status: criteria provided, single submitter. Criteria: Ambry Variant Classification Scheme 2023. Collection method: clinical testing. Allele origin: germline.

Labcorp Genetics (formerly Invitae), Labcorp
Classification: Uncertain significance for Charcot-Marie-Tooth disease axonal type 2U; Severe early-onset pulmonary alveolar proteinosis due to MARS deficiency. Last evaluated: 2023-05-22. Review status: criteria provided, single submitter. Criteria: Invitae Variant Classification Sherloc (09022015). Collection method: clinical testing. Allele origin: germline.
Comment: This sequence change replaces phenylalanine, which is neutral and non-polar, with leucine, which is neutral and non-polar, at codon 551 of the MARS protein (p.Phe551Leu). This variant is present in population databases (rs778475853, gnomAD 0.02%). This variant has not been reported in the literature in individuals affected with MARS-related conditions. ClinVar contains an entry for this variant (Variation ID: 1681751). An algorithm developed to predict the effect of missense changes on protein structure and function (PolyPhen-2) suggests that this variant is likely to be disruptive. In summary, the available evidence is currently insufficient to determine the role of this variant in disease. Therefore, it has been classified as a Variant of Uncertain Significance.